The following is an entry in ClinVar:

ClinVar aggregate classification (germline): Uncertain significance (1 of 4 stars; one submission).

Conditions:
Inborn genetic diseases. Identifiers: MedGen C0950123, MeSH D030342.

Submission:

Ambry Genetics
Classification: Uncertain significance for Inborn genetic diseases. Last evaluated: 2021-12-10. Review status: criteria provided, single submitter. Criteria: Ambry Variant Classification Scheme 2023. Collection method: clinical testing. Allele origin: germline.
Comment: The p.R274I variant (also known as c.821G>T), located in coding exon 4 of the PIK3CA gene, results from a G to T substitution at nucleotide position 821. The arginine at codon 274 is replaced by isoleucine, an amino acid with similar properties. This amino acid position is conserved. In addition, this alteration is predicted to be deleterious by in silico analysis. Since supporting evidence is limited at this time, the clinical significance of this alteration remains unclear.

NM_006218.4(PIK3CA):c.821G>T (p.Arg274Ile)

Gene: PIK3CA (phosphatidylinositol-4,5-bisphosphate 3-kinase catalytic subunit alpha; plus strand). Cytogenetic location: 3q26.32.
Variant type: single nucleotide variant.
Coding change: c.821G>T on transcript NM_006218.4 (MANE Select); coding-DNA position 821, G replaced by T.
Protein change: p.Arg274Ile; replaces arginine 274 with isoleucine.
Molecular consequence: missense variant.
Genome position (GRCh38, 1-based): chr3:179,203,551, G>T. VCF-style: chr3-179203551-G-T. GRCh37 (hg19) VCF-style: chr3-178921339-G-T.
Other names: short protein forms R274I.
Identifiers: ClinVar variation 1762515 (VCV001762515.2), dbSNP rs150606403, ClinGen allele CA355279621.
Genomic context (GRCh38, chr3:179,203,551, plus strand): 5'-TTTTAAAATGAAAAACCTTACAGGAAATGGCTCGCCCCCTTAATCTCTTACAGTATATAA[G>T]AAGCTGTATAATGCTTGGGAGGATGCCCAATTTGATGTTGATGGCTAAAGAAAGCCTTTA-3'
Protein context (NP_006209.2, residues 264-284): KYPLSQYKYI[Arg274Ile]SCIMLGRMPN